The following is an entry in ClinVar:

NM_001130004.2(ACTN1):c.559C>T (p.Arg187Trp)

Gene: ACTN1 (actinin alpha 1; minus strand). Cytogenetic location: 14q24.1.
Variant type: single nucleotide variant.
Coding change: c.559C>T on transcript NM_001130004.2 (MANE Select); coding-DNA position 559, C replaced by T.
Protein change: p.Arg187Trp; replaces arginine 187 with tryptophan.
Molecular consequence: missense variant. On other transcripts: 5 prime UTR variant (1).
Genome position (GRCh38, 1-based): chr14:68,909,353, G>A on the plus strand (C>T on the coding strand, the complement: ACTN1 is on the minus strand). VCF-style: chr14-68909353-G-A. GRCh37 (hg19) VCF-style: chr14-69376070-G-A.
Other names: c.559C>T, p.Arg187Trp (NM_001411035.1, NM_001424012.1, NM_001424014.1 and 9 more transcripts); c.364C>T, p.Arg122Trp (NM_001411036.1, NM_001424026.1, NM_001424028.1); c.685C>T, p.Arg229Trp (NM_001424013.1); c.646C>T, p.Arg216Trp (NM_001424015.1); c.556C>T, p.Arg186Trp (NM_001424017.1); c.496C>T, p.Arg166Trp (NM_001424018.1, NM_001424020.1, NM_001424022.1); c.-352C>T (NM_001424030.1); c.490C>T, p.Arg164Trp (NM_001424021.1); short protein forms R186W, R166W, R216W, R164W, R229W, R122W, R187W.
Identifiers: ClinVar variation 2886477 (VCV002886477.3), dbSNP rs1184717892, ClinGen allele CA390191667.
Genomic context (GRCh38, chr14:68,909,353, plus strand): 5'-CGGGTGGTCAGGTGGGCACACATACCTTCCGCAGCTTCCCGTAGTCAATCAGCTCGGGCC[G>A]GTGTCGGTGGATCAAAGCACAGAAGCCGAGGCCATCCTTCCAGCTGCCCGGGGAGAGAGA-3'
Protein context (NP_001123476.1, residues 177-197): LGFCALIHRH[Arg187Trp]PELIDYGKLR

ClinVar aggregate classification (germline): Uncertain significance (1 of 4 stars; one submission).

Allele frequency attached by ClinVar (database versions not stated): TOPMed 0.00002; gnomAD 0.00003; gnomAD exomes 0.00003.
gnomAD v4.1: 46 of 1,613,954 alleles (0.0029%); highest among the groups gnomAD compares: East Asian, 0.0067%; no homozygotes.

Submission:

Labcorp Genetics (formerly Invitae), Labcorp
Classification: Uncertain significance. Last evaluated: 2024-12-03. Review status: criteria provided, single submitter. Criteria: Invitae Variant Classification Sherloc (09022015). Collection method: clinical testing. Allele origin: germline.
Comment: This sequence change replaces arginine, which is basic and polar, with tryptophan, which is neutral and slightly polar, at codon 187 of the ACTN1 protein (p.Arg187Trp). The frequency data for this variant in the population databases is considered unreliable, as metrics indicate poor data quality at this position in the gnomAD database. This variant has not been reported in the literature in individuals affected with ACTN1-related conditions. ClinVar contains an entry for this variant (Variation ID: 2886477). Invitae Evidence Modeling of protein sequence and biophysical properties (such as structural, functional, and spatial information, amino acid conservation, physicochemical variation, residue mobility, and thermodynamic stability) indicates that this missense variant is expected to disrupt ACTN1 protein function with a positive predictive value of 80%. In summary, the available evidence is currently insufficient to determine the role of this variant in disease. Therefore, it has been classified as a Variant of Uncertain Significance.